The following is an entry in ClinVar:

ClinVar aggregate classification (germline): Likely benign. Review status: criteria provided, multiple submitters, no conflicts (2 of 4 stars). 4 submissions from 4 submitters: Likely benign (4). Last evaluated 2026-02-03.

Conditions:
Tuberous sclerosis 2 (TSC2). Identifiers: Orphanet 805, MedGen C1860707, MONDO:0013199, OMIM 613254.
Lymphangiomyomatosis (LAM). Also called: Lymphangioleiomyomatosis, somatic; Lymphangioleiomyomatosis. Identifiers: Orphanet 538, MedGen C0751674, MONDO:0011705, OMIM 606690.
Isolated focal cortical dysplasia type II (FCORD2). Also called: CORTICAL DYSPLASIA OF TAYLOR; Focal cortical dysplasia type II. Identifiers: Orphanet 268994, MedGen C1846385, MONDO:0011818, OMIM 607341, HP:0032051.

Allele frequency attached by ClinVar (database versions not stated): gnomAD exomes 0.00001; TOPMed 0.00001; gnomAD 0.00002 and 0.00003.

Submissions (4):

Labcorp Genetics (formerly Invitae), Labcorp
Classification: Likely benign for Tuberous sclerosis 2. Last evaluated: 2026-02-03. Review status: criteria provided, single submitter. Criteria: Invitae Variant Classification Sherloc (09022015). Collection method: clinical testing. Allele origin: germline.

Myriad Genetics, Inc.
Classification: Likely benign for Tuberous sclerosis 2. Last evaluated: 2025-05-19. Review status: criteria provided, single submitter. Criteria: Myriad Autosomal Dominant, Autosomal Recessive and X-Linked Classification Criteria (2023). Collection method: clinical testing. Allele origin: unknown.
Comment: This variant is considered likely benign. This variant is intronic and is not expected to impact mRNA splicing.

Fulgent Genetics
Classification: Likely benign for Lymphangiomyomatosis; Isolated focal cortical dysplasia type II; Tuberous sclerosis 2. Last evaluated: 2021-12-16. Review status: criteria provided, single submitter. Criteria: ACMG Guidelines, 2015. Collection method: clinical testing. Allele origin: unknown.

GeneDx
Classification: Likely benign. Last evaluated: 2018-03-23. Review status: criteria provided, single submitter. Criteria: GeneDx Variant Classification (06012015). Collection method: clinical testing. Allele origin: germline. Affected: yes.
Comment: This variant is considered likely benign or benign based on one or more of the following criteria: it is a conservative change, it occurs at a poorly conserved position in the protein, it is predicted to be benign by multiple in silico algorithms, and/or has population frequency not consistent with disease.

NM_000548.5(TSC2):c.2098-18C>T

Gene: TSC2 (TSC complex subunit 2; plus strand). Cytogenetic location: 16p13.3.
Variant type: single nucleotide variant.
Coding change: c.2098-18C>T on transcript NM_000548.5 (MANE Select); 18 bases into the intron before coding-DNA position 2098, C replaced by T.
Molecular consequence: intron variant.
Genome position (GRCh38, 1-based): chr16:2,072,223, C>T. VCF-style: chr16-2072223-C-T. GRCh37 (hg19) VCF-style: chr16-2122224-C-T.
Other names: c.2098-18C>T (NM_001114382.3, NM_021055.3, NM_001370405.1 and 3 more transcripts); c.1951-18C>T (NM_001318829.2); c.2131-18C>T (NM_001318832.2); c.1987-18C>T (NM_001318827.2); c.1498-18C>T (NM_001318831.2).
Identifiers: ClinVar variation 681091 (VCV000681091.11), dbSNP rs1246072517, ClinGen allele CA718909515.
Genomic context (GRCh38, chr16:2,072,223, plus strand): 5'-GCAGAGCCTCAGATGCTAGCTTCCGCCTCTGTCTCTAGGGTCCAGAAGGCCCTGTCCTGA[C>T]GCCTCCTCTCCTCGCAGGAGTCTGACTGGAAGGTGCTGAAGCTGGTTCTGGGCAGGCTGC-3'